The following is an entry in ClinVar:

NM_004006.3(DMD):c.2666G>T (p.Arg889Leu)

Gene: DMD (dystrophin; minus strand). Cytogenetic location: Xp21.1.
Variant type: single nucleotide variant.
Coding change: c.2666G>T on transcript NM_004006.3 (MANE Select); coding-DNA position 2666, G replaced by T.
Protein change: p.Arg889Leu; replaces arginine 889 with leucine.
Molecular consequence: missense variant.
Genome position (GRCh38, 1-based): chrX:32,485,056, C>A on the plus strand (G>T on the coding strand, the complement: DMD is on the minus strand). VCF-style: chrX-32485056-C-A. GRCh37 (hg19) VCF-style: chrX-32503173-C-A.
Other names: c.2642G>T, p.Arg881Leu (NM_000109.4); c.2654G>T, p.Arg885Leu (NM_004009.3); c.2297G>T, p.Arg766Leu (NM_004010.3); c.2666G>T (NM_004006.2); short protein forms R881L, R889L, R766L, R885L.
Identifiers: ClinVar variation 1499319 (VCV001499319.6), dbSNP rs779579811, ClinGen allele CA412671003.

ClinVar aggregate classification (germline): Uncertain significance. Review status: criteria provided, single submitter (1 of 4 stars). 2 submissions from 2 submitters: Uncertain significance (1). 1 of the submissions does not count toward it. Last evaluated 2021-08-30.

Conditions:
DMD-related disorder. Also called: DMD-related condition.
Duchenne muscular dystrophy (DMD). Also called: Duchenne Muscular Dystrophy (DMD); MUSCULAR DYSTROPHY, PSEUDOHYPERTROPHIC PROGRESSIVE, DUCHENNE TYPE. Identifiers: Orphanet 98896, MedGen C0013264, MONDO:0010679, OMIM 310200.

gnomAD v4.1: 4 of 1,211,322 alleles (0.00033%); highest among the groups gnomAD compares: Middle Eastern, 0.023%; no homozygotes.

Submissions (2):

Labcorp Genetics (formerly Invitae), Labcorp
Classification: Uncertain significance for Duchenne muscular dystrophy. Last evaluated: 2021-08-30. Review status: criteria provided, single submitter. Criteria: Invitae Variant Classification Sherloc (09022015). Collection method: clinical testing. Allele origin: germline.
Comment: This sequence change replaces arginine with leucine at codon 889 of the DMD protein (p.Arg889Leu). The arginine residue is moderately conserved and there is a moderate physicochemical difference between arginine and leucine. This variant is not present in population databases (ExAC no frequency). This variant has not been reported in the literature in individuals affected with DMD-related conditions. Algorithms developed to predict the effect of missense changes on protein structure and function are either unavailable or do not agree on the potential impact of this missense change (SIFT: "Deleterious"; PolyPhen-2: "Benign"; Align-GVGD: "Class C25"). In summary, the available evidence is currently insufficient to determine the role of this variant in disease. Therefore, it has been classified as a Variant of Uncertain Significance.

PreventionGenetics, part of Exact Sciences
Classification: Uncertain significance for DMD-related condition. Last evaluated: 2024-08-31. Review status: no assertion criteria provided. Collection method: clinical testing. Allele origin: germline. Not counted in ClinVar's aggregate classification.
Comment: The DMD c.2666G>T variant is predicted to result in the amino acid substitution p.Arg889Leu. To our knowledge, this variant has not been reported in the literature or in a large population database, indicating this variant is rare. At this time, the clinical significance of this variant is uncertain due to the absence of conclusive functional and genetic evidence.